The following is an entry in ClinVar:

ClinVar aggregate classification (germline): Uncertain significance (1 of 4 stars; one submission).

Conditions:
KSR2-related disorder. Also called: KSR2-related condition.

Submission:

PreventionGenetics, part of Exact Sciences
Classification: Uncertain significance for KSR2-related condition. Last evaluated: 2025-01-31. Review status: criteria provided, single submitter. Criteria: ACMG Guidelines, 2015. Collection method: clinical testing. Allele origin: germline.
Comment: The KSR2 c.697C>T variant is predicted to result in the amino acid substitution p.Pro233Ser. To our knowledge, this variant has not been reported in the literature or in a large population database (gnomAD), indicating this variant is rare. At this time, the clinical significance of this variant is uncertain due to the absence of conclusive functional and genetic evidence.

NM_173598.6(KSR2):c.784C>T (p.Pro262Ser)

Gene: KSR2 (kinase suppressor of ras 2; minus strand). Cytogenetic location: 12q24.23.
Variant type: single nucleotide variant.
Coding change: c.784C>T on transcript NM_173598.6 (MANE Select); coding-DNA position 784, C replaced by T.
Protein change: p.Pro262Ser; replaces proline 262 with serine.
Molecular consequence: missense variant.
Genome position (GRCh38, 1-based): chr12:117,761,213, G>A on the plus strand (C>T on the coding strand, the complement: KSR2 is on the minus strand). VCF-style: chr12-117761213-G-A. GRCh37 (hg19) VCF-style: chr12-118199018-G-A.
Other names: short protein forms P262S.
Identifiers: ClinVar variation 4999179 (VCV004999179.1).
Genomic context (GRCh38, chr12:117,761,213, plus strand): 5'-TCTTCCTCATGGGCGGCGTGCCCGGCGGGGTCACGGTGGTGACGATGTTGGGGGTGCGCG[G>A]CGGGGTGCGGACCGCGTGCCGCTGCCGGGGCGATGGGGGCAGGGAACGGTGGCCCGACTC-3'
Protein context (NP_775869.4, residues 252-272): PRQRHAVRTP[Pro262Ser]RTPNIVTTVT